The following is an entry in ClinVar:

ClinVar aggregate classification (germline): Likely benign. Review status: criteria provided, multiple submitters, no conflicts (2 of 4 stars). 2 submissions from 2 submitters: Likely benign (2). Last evaluated 2026-05-01.

Submissions (2):

CeGaT Center for Human Genetics Tuebingen
Classification: Likely benign. Last evaluated: 2026-05-01. Review status: criteria provided, single submitter. Criteria: CeGaT Center For Human Genetics Tuebingen Variant Classification Criteria Version 2. Collection method: clinical testing. Allele origin: germline. Affected: yes. Observed: 1 variant allele.
Comment: HOXB13: PM2:Supporting, BP4, BP7

Labcorp Genetics (formerly Invitae), Labcorp
Classification: Likely benign. Last evaluated: 2019-10-28. Review status: criteria provided, single submitter. Criteria: Invitae Variant Classification Sherloc (09022015). Collection method: clinical testing. Allele origin: germline.

NM_006361.6(HOXB13):c.280C>A (p.Arg94=)

Gene: HOXB13 (homeobox B13; minus strand). Cytogenetic location: 17q21.32.
Variant type: single nucleotide variant.
Coding change: c.280C>A on transcript NM_006361.6 (MANE Select); coding-DNA position 280, C replaced by A.
Protein change: p.Arg94=; no amino-acid change (arginine 94 retained).
Molecular consequence: synonymous variant.
Genome position (GRCh38, 1-based): chr17:48,728,314, G>T on the plus strand (C>A on the coding strand, the complement: HOXB13 is on the minus strand). VCF-style: chr17-48728314-G-T. GRCh37 (hg19) VCF-style: chr17-46805676-G-T.
Identifiers: ClinVar variation 1118861 (VCV001118861.11), dbSNP rs1597934593, ClinGen allele CA500661962.
Genomic context (GRCh38, chr17:48,728,314, plus strand): 5'-GAGTCTCCGCGGGGTACGCGGCCAGGGTGGCTGCCTGGGCACAGGGTTTCAGCGAGCTCC[G>T]GGACACTCGGCAGGAGTAGTACCCGCCTCCAAAGTAACCATAAGGCACGGGAGCTGGGGA-3'
Protein context (NP_006352.2, residues 84-104): GGGYYSCRVS[Arg94=]SSLKPCAQAA